The following is an entry in ClinVar:

NM_032153.6(ZIC4):c.913G>C (p.Ala305Pro)

Gene: ZIC4 (Zic family zinc finger 4; minus strand). Cytogenetic location: 3q24.
Variant type: single nucleotide variant.
Coding change: c.913G>C on transcript NM_032153.6 (MANE Select); coding-DNA position 913, G replaced by C.
Protein change: p.Ala305Pro; replaces alanine 305 with proline.
Molecular consequence: missense variant. On other transcripts: non-coding transcript variant (3).
Genome position (GRCh38, 1-based): chr3:147,391,022, C>G on the plus strand (G>C on the coding strand, the complement: ZIC4 is on the minus strand). VCF-style: chr3-147391022-C-G. GRCh37 (hg19) VCF-style: chr3-147108809-C-G.
Other names: c.1063G>C, p.Ala355Pro (NM_001168378.1); c.1027G>C, p.Ala343Pro (NM_001168379.2); c.295G>C, p.Ala99Pro (NM_001243256.2); short protein forms A355P, A99P, A305P, A343P.
Identifiers: ClinVar variation 2802448 (VCV002802448.3), dbSNP rs766205699, ClinGen allele CA354890597.

ClinVar aggregate classification (germline): Uncertain significance (1 of 4 stars; one submission).

Submission:

Labcorp Genetics (formerly Invitae), Labcorp
Classification: Uncertain significance. Last evaluated: 2023-04-01. Review status: criteria provided, single submitter. Criteria: Invitae Variant Classification Sherloc (09022015). Collection method: clinical testing. Allele origin: germline.
Comment: This variant has not been reported in the literature in individuals affected with ZIC4-related conditions. An algorithm developed to predict the effect of missense changes on protein structure and function (PolyPhen-2) suggests that this variant is likely to be disruptive. In summary, the available evidence is currently insufficient to determine the role of this variant in disease. Therefore, it has been classified as a Variant of Uncertain Significance. This variant is not present in population databases (gnomAD no frequency). This sequence change replaces alanine, which is neutral and non-polar, with proline, which is neutral and non-polar, at codon 355 of the ZIC4 protein (p.Ala355Pro).